The following is an entry in ClinVar:

NM_173354.5(SIK1):c.2062C>G (p.Pro688Ala)

Gene: SIK1 (salt inducible kinase 1; minus strand). Cytogenetic location: 21q22.3.
Variant type: single nucleotide variant.
Coding change: c.2062C>G on transcript NM_173354.5 (MANE Select); coding-DNA position 2062, C replaced by G.
Protein change: p.Pro688Ala; replaces proline 688 with alanine.
Molecular consequence: missense variant.
Genome position (GRCh38, 1-based): chr21:43,417,032, G>C on the plus strand (C>G on the coding strand, the complement: SIK1 is on the minus strand). VCF-style: chr21-43417032-G-C. GRCh37 (hg19) VCF-style: chr21-44836912-G-C.
Other names: short protein forms P688A.
Identifiers: ClinVar variation 1480251 (VCV001480251.8), dbSNP rs549619122, ClinGen allele CA410606730.

ClinVar aggregate classification (germline): Uncertain significance (1 of 4 stars; one submission).

Conditions:
Developmental and epileptic encephalopathy, 30 (DEE30). Also called: Epileptic encephalopathy, early infantile, 30. Identifiers: MedGen C4225360, MONDO:0014595, OMIM 616341.

Submission:

Labcorp Genetics (formerly Invitae), Labcorp
Classification: Uncertain significance for Developmental and epileptic encephalopathy, 30. Last evaluated: 2024-08-30. Review status: criteria provided, single submitter. Criteria: Invitae Variant Classification Sherloc (09022015). Collection method: clinical testing. Allele origin: germline.
Comment: This sequence change replaces proline, which is neutral and non-polar, with alanine, which is neutral and non-polar, at codon 688 of the SIK1 protein (p.Pro688Ala). This variant is not present in population databases (gnomAD no frequency). This variant has not been reported in the literature in individuals affected with SIK1-related conditions. ClinVar contains an entry for this variant (Variation ID: 1480251). Invitae Evidence Modeling of protein sequence and biophysical properties (such as structural, functional, and spatial information, amino acid conservation, physicochemical variation, residue mobility, and thermodynamic stability) indicates that this missense variant is not expected to disrupt SIK1 protein function with a negative predictive value of 95%. In summary, the available evidence is currently insufficient to determine the role of this variant in disease. Therefore, it has been classified as a Variant of Uncertain Significance.